The following is an entry in ClinVar:

ClinVar aggregate classification (germline): Uncertain significance (1 of 4 stars; one submission).

Conditions:
Spastic paraplegia. Identifiers: MedGen C0037772, HP:0001258.

Submission:

Labcorp Genetics (formerly Invitae), Labcorp
Classification: Uncertain significance for Spastic paraplegia. Last evaluated: 2022-02-03. Review status: criteria provided, single submitter. Criteria: Invitae Variant Classification Sherloc (09022015). Collection method: clinical testing. Allele origin: germline.
Comment: In summary, the available evidence is currently insufficient to determine the role of this variant in disease. Therefore, it has been classified as a Variant of Uncertain Significance. This sequence change replaces lysine, which is basic and polar, with threonine, which is neutral and polar, at codon 167 of the KIF5A protein (p.Lys167Thr). This variant is not present in population databases (gnomAD no frequency). This variant has not been reported in the literature in individuals affected with KIF5A-related conditions. Algorithms developed to predict the effect of missense changes on protein structure and function are either unavailable or do not agree on the potential impact of this missense change (SIFT: "Deleterious"; PolyPhen-2: "Probably Damaging"; Align-GVGD: "Class C0").

NM_004984.4(KIF5A):c.500A>C (p.Lys167Thr)

Gene: KIF5A (kinesin family member 5A; plus strand). Cytogenetic location: 12q13.3.
Variant type: single nucleotide variant.
Coding change: c.500A>C on transcript NM_004984.4 (MANE Select); coding-DNA position 500, A replaced by C.
Protein change: p.Lys167Thr; replaces lysine 167 with threonine.
Molecular consequence: missense variant.
Genome position (GRCh38, 1-based): chr12:57,564,972, A>C. VCF-style: chr12-57564972-A-C. GRCh37 (hg19) VCF-style: chr12-57958755-A-C.
Other names: c.233A>C, p.Lys78Thr (NM_001354705.2); short protein forms K78T, K167T.
Identifiers: ClinVar variation 1463898 (VCV001463898.8), dbSNP rs2140159698, ClinGen allele CA385496253.